The following is an entry in ClinVar:

NM_000123.4(ERCC5):c.1030A>G (p.Thr344Ala)

Genes: BIVM-ERCC5 (BIVM-ERCC5 readthrough; plus strand), ERCC5 (ERCC excision repair 5, endonuclease; plus strand). Cytogenetic location: 13q33.1.
Variant type: single nucleotide variant.
Coding change: c.1030A>G on transcript NM_000123.4 (MANE Select); coding-DNA position 1030, A replaced by G.
Protein change: p.Thr344Ala; replaces threonine 344 with alanine.
Molecular consequence: missense variant.
Genome position (GRCh38, 1-based): chr13:102,862,179, A>G. VCF-style: chr13-102862179-A-G. GRCh37 (hg19) VCF-style: chr13-103514529-A-G.
Other names: c.2392A>G, p.Thr798Ala (NM_001204425.2); short protein forms T344A, T798A.
Identifiers: ClinVar variation 883415 (VCV000883415.6), dbSNP rs142927249, ClinGen allele CA7041331.

ClinVar aggregate classification (germline): Uncertain significance. Review status: criteria provided, multiple submitters, no conflicts (2 of 4 stars). 3 submissions from 3 submitters: Uncertain significance (3). Last evaluated 2025-06-20.

Conditions:
Hereditary cancer-predisposing syndrome. Also called: Tumor predisposition; Neoplastic Syndromes, Hereditary; Hereditary neoplastic syndrome; Hereditary Cancer Syndrome. Identifiers: Orphanet 140162, MedGen C0027672, MeSH D009386, MONDO:0015356.
Xeroderma pigmentosum, group G (XPG). Also called: XERODERMA PIGMENTOSUM VII; XP, GROUP G; Xeroderma pigmentosum type 7; ERCC5-Related Xeroderma Pigmentosum. Identifiers: MedGen C0268141, MONDO:0010216, OMIM 278780.

Allele frequency attached by ClinVar (database versions not stated): TOPMed 0.00014; ESP Exome Variant Server 0.00038.
gnomAD v4.1: 267 of 1,614,096 alleles (0.017%); highest among the groups gnomAD compares: Non-Finnish European, 0.021%; no homozygotes.

Submissions (3):

GeneDx
Classification: Uncertain significance. Last evaluated: 2025-06-20. Review status: criteria provided, single submitter. Criteria: GeneDx Variant Classification Process June 2021. Collection method: clinical testing. Allele origin: germline. Affected: yes.
Comment: Not observed at significant frequency in large population cohorts (gnomAD); In silico analysis supports that this missense variant has a deleterious effect on protein structure/function; This variant is associated with the following publications: (PMID: 29641532)

Sema4
Classification: Uncertain significance for Hereditary cancer-predisposing syndrome. Last evaluated: 2022-01-14. Review status: criteria provided, single submitter. Criteria: Sema4 Curation Guidelines. Collection method: curation. Allele origin: germline.
Comment: The ERCC5 c.1030A>G (p.T344A) variant has not been reported in the literature to our knowledge. This variant was observed in 16/129082 chromosomes in the Non-Finnish European population according to the Genome Aggregation Database (PMID: 32461654). This variant has been reported in ClinVar (Variation ID 883415). Functional studies have not been performed, and in silico predictions of the variant's effect on protein function are inconclusive. The overall evidence is insufficient to meet ACMG/AMP criteria for classifying it as benign or pathogenic. In summary, the clinical significance of this variant is currently uncertain.

Illumina Laboratory Services, Illumina
Classification: Uncertain significance for Xeroderma pigmentosum, group G. Last evaluated: 2018-04-06. Review status: criteria provided, single submitter. Criteria: ICSL Variant Classification Criteria 13 December 2019. Collection method: clinical testing. Allele origin: germline.